The following is an entry in ClinVar:

ClinVar aggregate classification (germline): Pathogenic (1 of 4 stars; one submission).

Conditions:
Nemaline myopathy 2 (NEM2). Also called: Nemaline myopathy 2, autosomal recessive. Identifiers: MedGen C1850569, MONDO:0009725, OMIM 256030.

Submission:

Myriad Genetics, Inc.
Classification: Pathogenic for Nemaline myopathy 2. Last evaluated: 2025-01-22. Review status: criteria provided, single submitter. Criteria: Myriad Autosomal Dominant, Autosomal Recessive and X-Linked Classification Criteria (2023). Collection method: clinical testing. Allele origin: unknown.
Comment: NM_001271208.1(NEB):c.22126delG(A7376Rfs*41) is expected to be pathogenic in the context of NEB-related nemaline myopathy. This variant is predicted to lead to an abnormal or absent protein product due to the creation of a premature termination codon in NEB, a gene where loss-of-function variants are known to be pathogenic. Please note: this variant was assessed in the context of healthy population screening.

NM_001164508.2(NEB):c.22021del (p.Ala7341fs)

Genes: NEB (nebulin; minus strand), RIF1 (replication timing regulatory factor 1; plus strand). Cytogenetic location: 2q23.3.
Variant type: Deletion.
Coding change: c.22021del on transcript NM_001164508.2 (MANE Select); coding-DNA position 22021, one base deleted (G; older notation c.22021delG).
Protein change: p.Ala7341fs; shifts the reading frame from alanine 7341.
Molecular consequence: frameshift variant.
Genome position (GRCh38, 1-based): chr2:151,526,187, C deleted on the plus strand (G on the coding strand, the reverse complement: NEB is on the minus strand); the first of 2 consecutive C bases (chr2:151,526,187-151,526,188); deleting either gives the same sequence. VCF-style (leftmost placement, unchanged base first): chr2-151526186-GC-G. GRCh37 (hg19) VCF-style: chr2-152382700-GC-G.
Other names: c.22021del, p.Ala7341fs (NM_001164507.2); c.22126del, p.Ala7376fs (NM_001271208.2); c.16918del, p.Ala5640fs (NM_004543.5); short protein forms A5640fs, A7341fs, A7376fs.
Identifiers: ClinVar variation 5014006 (VCV005014006.1).